The following is an entry in ClinVar:

NM_004333.6(BRAF):c.1406G>C (p.Gly469Ala)

Gene: BRAF (B-Raf proto-oncogene, serine/threonine kinase; minus strand). Cytogenetic location: 7q34.
Variant type: single nucleotide variant.
Coding change: c.1406G>C on transcript NM_004333.6 (MANE Select); coding-DNA position 1406, G replaced by C.
Protein change: p.Gly469Ala; replaces glycine 469 with alanine.
Molecular consequence: missense variant.
Genome position (GRCh38, 1-based): chr7:140,781,602, C>G on the plus strand (G>C on the coding strand, the complement: BRAF is on the minus strand). VCF-style: chr7-140781602-C-G. GRCh37 (hg19) VCF-style: chr7-140481402-C-G.
Other names: c.1406G>C, p.Gly469Ala (NM_001354609.2, NM_001378468.1, NM_001378474.1); c.1526G>C, p.Gly509Ala (NM_001374244.1, NM_001374258.1); c.1415G>C, p.Gly472Ala (NM_001378467.1); c.1340G>C, p.Gly447Ala (NM_001378469.1); c.1304G>C, p.Gly435Ala (NM_001378470.1); c.1295G>C, p.Gly432Ala (NM_001378471.1); c.1250G>C, p.Gly417Ala (NM_001378472.1, NM_001378473.1); c.1142G>C, p.Gly381Ala (NM_001378475.1); short protein forms G469A, G447A, G435A, G472A, G381A, G417A, G432A, G509A.
Identifiers: ClinVar variation 13971 (VCV000013971.6), dbSNP rs121913355, ClinGen allele CA123655.

ClinVar aggregate classification (germline): Pathogenic. Review status: criteria provided, single submitter (1 of 4 stars). 2 submissions from 2 submitters: Pathogenic (1). 1 of the submissions does not count toward it. Last evaluated 2014-08-25.
ClinVar aggregate classification (somatic clinical impact): Tier I - Strong. Review status: criteria provided, single submitter (1 of 4 stars). 3 submissions from 1 submitter. 2 of the submissions do not count toward it. Last evaluated 2024-02-15.
ClinVar aggregate classification (oncogenicity): Oncogenic (1 of 4 stars; one submission).

Conditions:
Non-Hodgkin lymphoma (NHL). Also called: LYMPHOMA, NON-HODGKIN, SOMATIC; Malignant lymphoma, non-Hodgkin. Identifiers: Orphanet 547, MedGen C0024305, MONDO:0018908, HP:0012539.
Non-small cell lung carcinoma (NSCLC). Also called: Non-small cell lung cancer. Identifiers: MedGen C0007131, MeSH D002289, MONDO:0005233, HP:0030358. Disease mechanism: Other.
Ganglioglioma. Also called: Mixed cell tumors containing both neural ganglionic cells and neural glial cell components. Identifiers: Orphanet 251949, MedGen C0206716, MONDO:0016733, HP:0033664.
Neuroblastoma (NB). Identifiers: Orphanet 635, MedGen C0027819, MeSH D009447, MONDO:0005072, HP:0003006.
Nasopharyngeal carcinoma. Also called: Nasopharyngeal carcinoma, somatic. Identifiers: Orphanet 150, MedGen C2931822, MONDO:0015459, OMIM 607107.
Neoplasm. Also called: Neoplasms; Neoplasm (disease); tumor. Identifiers: MedGen C0027651, MeSH D009369, MONDO:0005070, HP:0002664.

Allele frequency attached by ClinVar (database versions not stated): TOPMed below 0.00001; gnomAD exomes below 0.00001.
gnomAD v4.1: 3 of 1,614,022 alleles (0.00019%); highest among the groups gnomAD compares: Admixed American, 0.0017%; no homozygotes.

Submissions (6):

Center for Genomic Medicine, Rigshospitalet, Copenhagen University Hospital
Classification: Oncogenic for Neoplasm. Last evaluated: 2025-12-29. Review status: criteria provided, single submitter. Criteria: ClinGen/CGC/VICC Guidelines for Oncogenicity, 2022. Collection method: clinical testing. Allele origin: somatic. Affected: yes.

Institute for Genomic Medicine (IGM) Clinical Laboratory, Nationwide Children's Hospital
Classification: Tier II - Potential for Nasopharyngeal carcinoma. Assertion type: diagnostic. Clinical significance: supports diagnosis. Last evaluated: 2025-10-04. Review status: criteria provided, single submitter. Criteria: AMP/ASCO/CAP Guidelines, 2017. Collection method: clinical testing. Allele origin: somatic. Affected: yes. Not counted in ClinVar's aggregate classification.
Comment: Variant has Tier II (potential) clinical significance as a diagnostic inclusion criterion in nasopharyngeal carcinoma, based on the following evidence: 1) Documented in one or more cancer databases (e.g., St. Jude Pecan, COSMIC, CIViC, OncoKB). 2) Information in the literature supports potential biologic effect of variant (PMIDs: 12068308, 23833300, 26343582). 3) Diagnostic significance based on multiple small studies (Evidence Level C; PMIDs: 28098136, 28581676, 25109408, 29933636).

Institute for Genomic Medicine (IGM) Clinical Laboratory, Nationwide Children's Hospital
Classification: Tier II - Potential for Neuroblastoma. Assertion type: diagnostic. Clinical significance: supports diagnosis. Last evaluated: 2025-04-08. Review status: criteria provided, single submitter. Criteria: AMP/ASCO/CAP Guidelines, 2017. Collection method: clinical testing. Allele origin: somatic. Affected: yes. Not counted in ClinVar's aggregate classification.
Comment: Variant has Tier II (potential) clinical significance as a diagnostic inclusion criterion in neuroblastoma, based on the following evidence: 1) Documented in one or more cancer databases (e.g., St. Jude Pecan, COSMIC, CIViC, OncoKB). 2) Information in the literature supports potential biologic effect of variant (PMIDs: 12068308, 23833300, 26343582, 28947956). 3) Diagnostic significance based on multiple small studies (Evidence Level C; PMIDs: 36973454, 22142829, 26121087, 34331515, 33056981, 30115695).

Institute for Genomic Medicine (IGM) Clinical Laboratory, Nationwide Children's Hospital
Classification: Tier I - Strong for Ganglioglioma. Assertion type: diagnostic. Clinical significance: supports diagnosis. Last evaluated: 2024-02-15. Review status: criteria provided, single submitter. Criteria: AMP/ASCO/CAP Guidelines, 2017. Collection method: clinical testing. Allele origin: somatic. Affected: yes.
Comment: Variant has Tier I (strong) clinical significance as a diagnostic inclusion criterion in ganglioglioma, based on the following evidence: 1) Documented in one or more cancer databases (e.g., St. Jude Pecan, COSMIC, CIViC, OncoKB). 2) Appears in one or more well-established professional guidelines (e.g., World Health Organization [WHO]; National Comprehensive Cancer Network [NCCN]) as providing diagnostic, prognostic, or therapeutic information. 3) Information in the literature supports potential biologic effect of variant (PMIDs: 23833300, 26343582, 20179705, 22510884). 4) Diagnostic for a specific tumor type/classification based on well-powered studies with expert-level consensus (Evidence Level B).

Laboratory for Molecular Medicine, Mass General Brigham Personalized Medicine
Classification: Pathogenic for Non-small cell lung carcinoma. Last evaluated: 2014-08-25. Review status: criteria provided, single submitter. Criteria: LMM Criteria. Collection method: clinical testing. Allele origin: somatic. Observed: 4 variant alleles.

OMIM
Classification: Pathogenic for LYMPHOMA, NON-HODGKIN, SOMATIC. Last evaluated: 2003-11-17. Review status: no assertion criteria provided. Collection method: literature only. Allele origin: somatic. Not counted in ClinVar's aggregate classification.

Literature cited by the submitters: PubMed 19010912 (cited by Center for Genomic Medicine, Rigshospitalet, Copenhagen University Hospital); PubMed 12068308 (cited by 3 submitters); PubMed 29533785 (cited by Center for Genomic Medicine, Rigshospitalet, Copenhagen University Hospital); PubMed 23833300 (cited by Institute for Genomic Medicine (IGM) Clinical Laboratory, Nationwide Children's Hospital); PubMed 26343582 (cited by Institute for Genomic Medicine (IGM) Clinical Laboratory, Nationwide Children's Hospital); PubMed 28098136 (cited by Institute for Genomic Medicine (IGM) Clinical Laboratory, Nationwide Children's Hospital); PubMed 28581676 (cited by Institute for Genomic Medicine (IGM) Clinical Laboratory, Nationwide Children's Hospital); PubMed 25109408 (cited by Institute for Genomic Medicine (IGM) Clinical Laboratory, Nationwide Children's Hospital); PubMed 29933636 (cited by Institute for Genomic Medicine (IGM) Clinical Laboratory, Nationwide Children's Hospital); PubMed 28947956 (cited by Institute for Genomic Medicine (IGM) Clinical Laboratory, Nationwide Children's Hospital); PubMed 36973454 (cited by Institute for Genomic Medicine (IGM) Clinical Laboratory, Nationwide Children's Hospital); PubMed 22142829 (cited by Institute for Genomic Medicine (IGM) Clinical Laboratory, Nationwide Children's Hospital); PubMed 26121087 (cited by Institute for Genomic Medicine (IGM) Clinical Laboratory, Nationwide Children's Hospital); PubMed 34331515 (cited by Institute for Genomic Medicine (IGM) Clinical Laboratory, Nationwide Children's Hospital); PubMed 33056981 (cited by Institute for Genomic Medicine (IGM) Clinical Laboratory, Nationwide Children's Hospital); PubMed 30115695 (cited by Institute for Genomic Medicine (IGM) Clinical Laboratory, Nationwide Children's Hospital); PubMed 20179705 (cited by Institute for Genomic Medicine (IGM) Clinical Laboratory, Nationwide Children's Hospital); PubMed 22510884 (cited by Institute for Genomic Medicine (IGM) Clinical Laboratory, Nationwide Children's Hospital); PubMed 14612909 (cited by OMIM).